The following is an entry in ClinVar:

ClinVar aggregate classification (germline): Uncertain significance (1 of 4 stars; one submission).

Conditions:
Inborn genetic diseases. Identifiers: MedGen C0950123, MeSH D030342.

gnomAD v4.1: 1 of 1,614,246 alleles (0.000062%); highest among the groups gnomAD compares: Non-Finnish European, 0.000085%; no homozygotes.

Submission:

Ambry Genetics
Classification: Uncertain significance for Inborn genetic diseases. Last evaluated: 2024-12-12. Review status: criteria provided, single submitter. Criteria: Ambry Variant Classification Scheme 2023. Collection method: clinical testing. Allele origin: germline.
Comment: The p.S1159G variant (also known as c.3475A>G), located in coding exon 13 of the ASXL1 gene, results from an A to G substitution at nucleotide position 3475. The serine at codon 1159 is replaced by glycine, an amino acid with similar properties. This amino acid position is conserved. In addition, this alteration is predicted to be tolerated by in silico analysis. Based on the available evidence, the clinical significance of this variant remains unclear.

NM_015338.6(ASXL1):c.3475A>G (p.Ser1159Gly)

Gene: ASXL1 (ASXL transcriptional regulator 1; plus strand). Cytogenetic location: 20q11.21.
Variant type: single nucleotide variant.
Coding change: c.3475A>G on transcript NM_015338.6 (MANE Select); coding-DNA position 3475, A replaced by G.
Protein change: p.Ser1159Gly; replaces serine 1159 with glycine.
Molecular consequence: missense variant.
Genome position (GRCh38, 1-based): chr20:32,436,187, A>G. VCF-style: chr20-32436187-A-G. GRCh37 (hg19) VCF-style: chr20-31023990-A-G.
Other names: c.3292A>G, p.Ser1098Gly (NM_001363734.1); short protein forms S1098G, S1159G.
Identifiers: ClinVar variation 3791157 (VCV003791157.1).